The following is an entry in ClinVar:

ClinVar aggregate classification (germline): Uncertain significance. Review status: criteria provided, multiple submitters, no conflicts (2 of 4 stars). 2 submissions from 2 submitters: Uncertain significance (2). Last evaluated 2024-02-17.

Conditions:
Perlman syndrome (PRLMNS). Identifiers: Orphanet 2849, MedGen C0796113, MONDO:0009965, OMIM 267000.

Allele frequency attached by ClinVar (database versions not stated): gnomAD exomes below 0.00001.
gnomAD v4.1: 1 of 1,613,626 alleles (0.000062%); highest among the groups gnomAD compares: Non-Finnish European, 0.000085%; no homozygotes.

Submissions (2):

Fulgent Genetics
Classification: Uncertain significance for Perlman syndrome. Last evaluated: 2024-02-17. Review status: criteria provided, single submitter. Criteria: ACMG Guidelines, 2015. Collection method: clinical testing. Allele origin: germline.

Labcorp Genetics (formerly Invitae), Labcorp
Classification: Uncertain significance for Perlman syndrome. Last evaluated: 2023-08-04. Review status: criteria provided, single submitter. Criteria: Invitae Variant Classification Sherloc (09022015). Collection method: clinical testing. Allele origin: germline.
Comment: ClinVar contains an entry for this variant (Variation ID: 1390523). Advanced modeling of protein sequence and biophysical properties (such as structural, functional, and spatial information, amino acid conservation, physicochemical variation, residue mobility, and thermodynamic stability) performed at Invitae indicates that this missense variant is not expected to disrupt DIS3L2 protein function. In summary, the available evidence is currently insufficient to determine the role of this variant in disease. Therefore, it has been classified as a Variant of Uncertain Significance. This variant has not been reported in the literature in individuals affected with DIS3L2-related conditions. This sequence change replaces alanine, which is neutral and non-polar, with proline, which is neutral and non-polar, at codon 728 of the DIS3L2 protein (p.Ala728Pro). This variant is not present in population databases (gnomAD no frequency).

NM_152383.5(DIS3L2):c.2182G>C (p.Ala728Pro)

Gene: DIS3L2 (DIS3 like 3'-5' exoribonuclease 2; plus strand). Cytogenetic location: 2q37.1.
Variant type: single nucleotide variant.
Coding change: c.2182G>C on transcript NM_152383.5 (MANE Select); coding-DNA position 2182, G replaced by C.
Protein change: p.Ala728Pro; replaces alanine 728 with proline.
Molecular consequence: missense variant. On other transcripts: non-coding transcript variant (2), intron variant (1).
Genome position (GRCh38, 1-based): chr2:232,334,392, G>C. VCF-style: chr2-232334392-G-C. GRCh37 (hg19) VCF-style: chr2-233199102-G-C.
Other names: c.1582-8953G>C (NM_001257281.2); short protein forms A728P.
Identifiers: ClinVar variation 1390523 (VCV001390523.9), dbSNP rs1695871935, ClinGen allele CA350977657.